The following is an entry in ClinVar:

NM_001110556.2(FLNA):c.5255T>C (p.Leu1752Pro)

Gene: FLNA (filamin A; minus strand). Cytogenetic location: Xq28.
Variant type: single nucleotide variant.
Coding change: c.5255T>C on transcript NM_001110556.2 (MANE Select); coding-DNA position 5255, T replaced by C.
Protein change: p.Leu1752Pro; replaces leucine 1752 with proline.
Molecular consequence: missense variant.
Genome position (GRCh38, 1-based): chrX:154,354,674, A>G on the plus strand (T>C on the coding strand, the complement: FLNA is on the minus strand). VCF-style: chrX-154354674-A-G. GRCh37 (hg19) VCF-style: chrX-153583042-A-G.
Other names: c.5231T>C, p.Leu1744Pro (NM_001456.4); c.5255T>C (NM_001110556.1); short protein forms L1752P, L1744P.
Identifiers: ClinVar variation 624458 (VCV000624458.57), dbSNP rs1363194253, ClinGen allele CA415206627.
Genomic context (GRCh38, chrX:154,354,674, plus strand): 5'-ACCCAAGTCTGCTGGCCGCCCTGGGCGTAGGTGTACTGTGGGGCCAGCTGCTGAGACCGT[A>G]GAGGGGGCTGCACCGAGGGCTGGTCCCCAGCCAGAGCCTGCAGGGCAAAGCAGAGAGCTG-3'
Protein context (NP_001104026.1, residues 1742-1762): AGDQPSVQPP[Leu1752Pro]RSQQLAPQYT

ClinVar aggregate classification (germline): Uncertain significance. Review status: criteria provided, multiple submitters, no conflicts (2 of 4 stars). 5 submissions from 5 submitters: Uncertain significance (4). 1 of the submissions does not count toward it. Last evaluated 2025-12-11.

Conditions:
Intestinal pseudoobstruction, neuronal, chronic idiopathic, X-linked (CIIPX). Also called: INTESTINAL PSEUDOOBSTRUCTION, NEURONAL, CHRONIC IDIOPATHIC, WITH CENTRAL NERVOUS SYSTEM INVOLVEMENT; FLNA-Related Periventricular Nodular Heterotopia (FLNA-Related PVNH; Huttenlocher Syndrome); CONGENITAL IDIOPATHIC INTESTINAL PSEUDOOBSTRUCTION. Identifiers: Orphanet 2301, MedGen C2746068, MONDO:0010232, OMIM 300048.
Heterotopia, periventricular, X-linked dominant (PVNH1). Also called: PERIVENTRICULAR NODULAR HETEROTOPIA 4; HETEROTOPIA, PERIVENTRICULAR, 1; PERIVENTRICULAR NODULAR HETEROTOPIA 1; X-linked periventricular heterotopia. Identifiers: Orphanet 2149, Orphanet 82004, MedGen C1848213, MONDO:0010233, OMIM 300049.
Oto-palato-digital syndrome, type I (OPD1). Also called: Taybi syndrome; OPD I SYNDROME; OPD SYNDROME 1; Otopalatodigital Syndrome Type 1 (FLNA-OPD1); Otopalatodigital Syndrome, Type I. Identifiers: Orphanet 669, Orphanet 90650, MedGen C0265251, MONDO:0010704, OMIM 311300.
Cardiac valvular dysplasia, X-linked (CVDPX). Also called: MYXOMATOUS VALVULAR DYSTROPHY, X-LINKED; VALVULAR HEART DISEASE, CONGENITAL; Congenital valvular dysplasia; Isolated X-Linked Cardiac Valvular Dysplasia; FLNA-Related X-linked Cardiac Valvular Dysplasia. Identifiers: Orphanet 1864, Orphanet 555877, Orphanet 75497, MedGen C0262436, MONDO:0010753, OMIM 314400.
FLNA-related disorder.
Frontometaphyseal dysplasia (FMD1). Identifiers: Orphanet 1826, MedGen C0265293, MONDO:0015942.
Oto-palato-digital syndrome, type II (OPD2). Also called: OPD II SYNDROME; Otopalatodigital Syndrome Type 2 (FLNA-OPD2); Otopalatodigital Syndrome, Type II; FACIOPALATOOSSEOUS SYNDROME. Identifiers: Orphanet 669, Orphanet 90652, MedGen C1844696, MONDO:0010571, OMIM 304120.
Melnick-Needles syndrome (MNS). Also called: MELNICK-NEEDLES OSTEODYSPLASTY; OSTEODYSPLASTY OF MELNICK AND NEEDLES; Melnick-Needles Syndrome (FLNA-MNS). Identifiers: Orphanet 2484, MedGen C0025237, MONDO:0010650, OMIM 309350.

Allele frequency attached by ClinVar (database versions not stated): gnomAD 0.00001; gnomAD exomes 0.00001; TOPMed 0.00001.
gnomAD v4.1: 11 of 1,206,716 alleles (0.00091%); highest among the groups gnomAD compares: Non-Finnish European, 0.0011%; no homozygotes.

Submissions (5):

Labcorp Genetics (formerly Invitae), Labcorp
Classification: Uncertain significance for Oto-palato-digital syndrome, type II; Heterotopia, periventricular, X-linked dominant; Frontometaphyseal dysplasia; Melnick-Needles syndrome. Last evaluated: 2025-12-11. Review status: criteria provided, single submitter. Criteria: Invitae Variant Classification Sherloc (09022015). Collection method: clinical testing. Allele origin: germline.
Comment: This sequence change replaces leucine, which is neutral and non-polar, with proline, which is neutral and non-polar, at codon 1744 of the FLNA protein (p.Leu1744Pro). This variant is not present in population databases (gnomAD no frequency). This variant has not been reported in the literature in individuals affected with FLNA-related conditions. ClinVar contains an entry for this variant (Variation ID: 624458). Invitae Evidence Modeling of protein sequence and biophysical properties (such as structural, functional, and spatial information, amino acid conservation, physicochemical variation, residue mobility, and thermodynamic stability) indicates that this missense variant is not expected to disrupt FLNA protein function with a negative predictive value of 95%. In summary, the available evidence is currently insufficient to determine the role of this variant in disease. Therefore, it has been classified as a Variant of Uncertain Significance.

CeGaT Center for Human Genetics Tuebingen
Classification: Uncertain significance. Last evaluated: 2023-03-01. Review status: criteria provided, single submitter. Criteria: CeGaT Center For Human Genetics Tuebingen Variant Classification Criteria Version 2. Collection method: clinical testing. Allele origin: germline. Affected: yes. Observed: 2 variant alleles.
Comment: FLNA: PM2, PP2

GeneDx
Classification: Uncertain significance. Last evaluated: 2022-09-14. Review status: criteria provided, single submitter. Criteria: GeneDx Variant Classification Process June 2021. Collection method: clinical testing. Allele origin: germline. Affected: yes.
Comment: Has not been previously published as pathogenic or benign to our knowledge; In silico analysis supports that this missense variant does not alter protein structure/function

Centre of Medical Genetics, University Hospital Muenster
Classification: Uncertain significance. Last evaluated: 2022-05-31. Review status: criteria provided, single submitter. Criteria: ACMG Guidelines, 2015. Collection method: clinical testing. Allele origin: unknown. Affected: yes. Observed: 1 variant allele, 1 heterozygote.
Comment: ACMG categories: PM2

PreventionGenetics, part of Exact Sciences
Classification: Uncertain significance for FLNA-related condition. Last evaluated: 2023-12-17. Review status: no assertion criteria provided. Collection method: clinical testing. Allele origin: germline. Not counted in ClinVar's aggregate classification.
Comment: The FLNA c.5255T>C variant is predicted to result in the amino acid substitution p.Leu1752Pro. To our knowledge, this variant has not been reported in the literature or in a large population database, indicating this variant is rare. At this time, the clinical significance of this variant is uncertain due to the absence of conclusive functional and genetic evidence.